The following is an entry in ClinVar:

NM_145239.3(PRRT2):c.1013T>C (p.Val338Ala)

Genes: MVP-DT (MVP divergent transcript; minus strand), PRRT2 (proline rich transmembrane protein 2; plus strand). Cytogenetic location: 16p11.2.
Variant type: single nucleotide variant.
Coding change: c.1013T>C on transcript NM_145239.3 (MANE Select); coding-DNA position 1013, T replaced by C.
Protein change: p.Val338Ala; replaces valine 338 with alanine.
Molecular consequence: missense variant. On other transcripts: 3 prime UTR variant (1).
Genome position (GRCh38, 1-based): chr16:29,814,628, T>C. VCF-style: chr16-29814628-T-C. GRCh37 (hg19) VCF-style: chr16-29825949-T-C.
Other names: p.V338A:GTG>GCG; p.Val338Ala; c.1175T>C, p.Val392Ala (NM_001256442.2); c.*674T>C (NM_001256443.2); c.1175T>C (NM_001256442.1); short protein forms V338A, V392A.
Identifiers: ClinVar variation 197379 (VCV000197379.54), dbSNP rs144540943, ClinGen allele CA245483.

ClinVar aggregate classification (germline): Conflicting classifications of pathogenicity. Review status: criteria provided, conflicting classifications (1 of 4 stars). 10 submissions from 10 submitters: Uncertain significance (4); Likely benign (6). Last evaluated 2026-06-10.

Conditions:
PRRT2-Related Disorder. Also called: PRRT2-related disorders. Identifiers: MedGen CN381059.
Episodic kinesigenic dyskinesia (EKD). Also called: Paroxysmal kinesigenic dyskinesia. Identifiers: Orphanet 98809, MedGen C1868682, MONDO:0044202.
Inborn genetic diseases. Identifiers: MedGen C0950123, MeSH D030342.

Allele frequency attached by ClinVar (database versions not stated): TOPMed 0.00017; gnomAD exomes 0.00025; ExAC 0.00027; ESP Exome Variant Server 0.00031.
gnomAD v4.1: 453 of 1,594,682 alleles (0.028%); highest among the groups gnomAD compares: Non-Finnish European, 0.036%; 1 homozygote.

Submissions (10):

Ambry Genetics
Classification: Likely benign for Inborn genetic diseases. Last evaluated: 2026-06-10. Review status: criteria provided, single submitter. Criteria: Ambry Variant Classification Scheme 2023. Collection method: clinical testing. Allele origin: germline.

Women's Health and Genetics/Laboratory Corporation of America, LabCorp
Classification: Likely benign. Last evaluated: 2026-03-02. Review status: criteria provided, single submitter. Criteria: LabCorp Variant Classification Summary - May 2015. Collection method: clinical testing. Allele origin: germline.
Comment: Variant summary: PRRT2 c.1013T>C (p.Val338Ala) results in a non-conservative amino acid change in the encoded protein sequence. Algorithms developed to predict the effect of missense changes on protein structure and function are either unavailable or do not agree on the potential impact of this missense change. Consensus agreement among computation tools predict no significant impact on normal splicing. However, these predictions have yet to be confirmed by functional studies. The variant allele was found at a frequency of 0.00025 in 248500 control chromosomes, predominantly at a frequency of 0.00048 within the Non-Finnish European subpopulation in the gnomAD database. The occurrence in many unaffected controls suggests this is a benign polymorphism. c.1013T>C has not been observed in individual(s) affected with Episodic Kinesigenic Dyskinesia 1. To our knowledge, no experimental evidence demonstrating an impact on protein function has been reported. The following publication has been ascertained in the context of this evaluation (PMID: 34670123). ClinVar contains an entry for this variant (Variation ID: 197379). Based on the evidence outlined above, the variant was classified as likely benign.

Labcorp Genetics (formerly Invitae), Labcorp
Classification: Likely benign for Episodic kinesigenic dyskinesia. Last evaluated: 2026-01-19. Review status: criteria provided, single submitter. Criteria: Invitae Variant Classification Sherloc (09022015). Collection method: clinical testing. Allele origin: germline.

Mayo Clinic Laboratories, Mayo Clinic
Classification: Likely benign. Last evaluated: 2025-09-09. Review status: criteria provided, single submitter. Criteria: ACMG Guidelines, 2015. Collection method: clinical testing. Allele origin: germline. Observed: 4 variant alleles.
Comment: BS2, BP4_moderate

PreventionGenetics, part of Exact Sciences
Classification: Uncertain significance for PRRT2-related condition. Last evaluated: 2025-04-08. Review status: criteria provided, single submitter. Criteria: ACMG Guidelines, 2015. Collection method: clinical testing. Allele origin: germline.
Comment: The PRRT2 c.1175T>C variant is predicted to result in the amino acid substitution p.Val392Ala. To our knowledge, this variant has not been reported in the literature. This variant is reported in 0.048% of alleles in individuals of European (Non-Finnish) descent in gnomAD. At this time, the clinical significance of this variant is uncertain due to the absence of conclusive functional and genetic evidence.

CeGaT Center for Human Genetics Tuebingen
Classification: Uncertain significance. Last evaluated: 2025-02-01. Review status: criteria provided, single submitter. Criteria: CeGaT Center For Human Genetics Tuebingen Variant Classification Criteria Version 2. Collection method: clinical testing. Allele origin: germline. Affected: yes. Observed: 3 variant alleles.

Blueprint Genetics
Classification: Likely benign. Last evaluated: 2024-04-12. Review status: criteria provided, single submitter. Criteria: ACMG Guidelines, 2015. Collection method: clinical testing. Allele origin: germline.

GeneDx
Classification: Likely benign. Last evaluated: 2020-09-29. Review status: criteria provided, single submitter. Criteria: GeneDx Variant Classification Process June 2021. Collection method: clinical testing. Allele origin: germline. Affected: yes.

Genetic Services Laboratory, University of Chicago
Classification: Uncertain significance. Last evaluated: 2015-02-06. Review status: criteria provided, single submitter. Criteria: ACMG Guidelines, 2015. Collection method: clinical testing. Allele origin: germline.

Eurofins Ntd Llc (ga)
Classification: Uncertain significance. Last evaluated: 2014-06-03. Review status: criteria provided, single submitter. Criteria: EGL Classification Definitions 2015. Collection method: clinical testing. Allele origin: germline. Observed: 1 variant allele, 1 heterozygote.

Literature cited by the submitters: PubMed 34670123 (cited by Women's Health and Genetics/Laboratory Corporation of America, LabCorp).